The following is an entry in ClinVar:

NM_015335.5(MED13L):c.331dup (p.Glu111fs)

Gene: MED13L (mediator complex subunit 13L; minus strand). Cytogenetic location: 12q24.21.
Variant type: Duplication.
Coding change: c.331dup on transcript NM_015335.5 (MANE Select); coding-DNA position 331, one base duplicated (G; older notation c.331dupG).
Protein change: p.Glu111fs; shifts the reading frame from glutamic acid 111.
Molecular consequence: frameshift variant.
Genome position (GRCh38, 1-based): chr12:116,111,492, C duplicated on the plus strand (G on the coding strand, the reverse complement: MED13L is on the minus strand); the first of 3 consecutive C bases (chr12:116,111,492-116,111,494); duplicating any one gives the same sequence. VCF-style (leftmost placement, unchanged base first): chr12-116111491-T-TC. GRCh37 (hg19) VCF-style: chr12-116549296-T-TC.
Other names: NM_015335.5:c.331dup; short protein forms E111fs.
Identifiers: ClinVar variation 4819452 (VCV004819452.1).
Genomic context (GRCh38, chr12:116,111,491, plus strand): 5'-TCTAACAGATTGTGGATCGCTTTGAAGAGCAGCGTCCTACATTCATAGGAAAGGCCATTT[T>TC]CCCAGAGTCCTTCTTCCACAACTGAAAAAAAAAAGAAAAAAGAAAAAAAAAGAACCAGTA-3'

ClinVar aggregate classification (germline): Likely pathogenic (1 of 4 stars; one submission).

Conditions:
Cardiac anomalies - developmental delay - facial dysmorphism syndrome (MRFACD). Also called: MED13L Syndrome; Impaired intellectual development and distinctive facial features with or without cardiac defects. Identifiers: Orphanet 369891, MedGen C5192431, MONDO:0014773, OMIM 616789.

Submission:

Broad Center for Mendelian Genomics, Broad Institute of MIT and Harvard
Classification: Likely pathogenic for Cardiac anomalies - developmental delay - facial dysmorphism syndrome. Last evaluated: 2026-03-02. Review status: criteria provided, single submitter. Criteria: ACMG Guidelines, 2015. Collection method: research. Allele origin: germline. Inheritance: Autosomal dominant inheritance.
Comment: The heterozygous p.Glu111GlyfsTer7 variant in MED13L was identified in 1 individual with impaired intellectual development and distinctive facial features with or without cardiac defects via a collaborative study between the Broad Institute's Center for Mendelian Genomics and the NeuroDev Study. The p.Glu111GlyfsTer7 variant in MED13L has not been previously reported in the literature in individuals with impaired intellectual development and distinctive facial features with or without cardiac defects and was absent from large population studies. This variant is predicted to cause a frameshift, which alters the protein’s amino acid sequence beginning at position 111 and leads to a premature termination codon 7 amino acids downstream. This alteration is then predicted to lead to a truncated or absent protein. Heterozygous loss of function of the MED13L gene is an established disease mechanism in impaired intellectual development and distinctive facial features with or without cardiac defects. In summary, although additional studies are required to fully establish its clinical significance, this variant is likely pathogenic for autosomal dominant intellectual developmental disorder-29. ACMG/AMP Criteria applied: PVS1, PM2_supporting (Richards 2015).